The following is an entry in ClinVar:

NM_207352.4(CYP4V2):c.1493A>C (p.Glu498Ala)

Gene: CYP4V2 (cytochrome P450 family 4 subfamily V member 2; plus strand). Cytogenetic location: 4q35.2.
Variant type: single nucleotide variant.
Coding change: c.1493A>C on transcript NM_207352.4 (MANE Select); coding-DNA position 1493, A replaced by C.
Protein change: p.Glu498Ala; replaces glutamic acid 498 with alanine.
Molecular consequence: missense variant.
Genome position (GRCh38, 1-based): chr4:186,210,556, A>C. VCF-style: chr4-186210556-A-C. GRCh37 (hg19) VCF-style: chr4-187131710-A-C.
Other names: short protein forms E498A.
Identifiers: ClinVar variation 842490 (VCV000842490.11), dbSNP rs142244984, ClinGen allele CA3162879.
Genomic context (GRCh38, chr4:186,210,556, plus strand): 5'-AGACCATTCTTTCGTGCATCCTGAGGCACTTTTGGATAGAATCCAACCAGAAAAGAGAAG[A>C]GCTTGGTCTAGAAGGACAGTTGATTCTTCGTCCAAGTAATGGCATCTGGATCAAGTTGAA-3'
Protein context (NP_997235.3, residues 488-508): FWIESNQKRE[Glu498Ala]LGLEGQLILR

ClinVar aggregate classification (germline): Conflicting classifications of pathogenicity. Review status: criteria provided, conflicting classifications (1 of 4 stars). 4 submissions from 4 submitters: Uncertain significance (2); Likely benign (2). Last evaluated 2026-02-26.

Conditions:
CYP4V2-related disorder. Also called: CYP4V2-related disorders; CYP4V2-related condition.

Allele frequency attached by ClinVar (database versions not stated): TOPMed 0.00030; gnomAD 0.00033 and 0.00035; ESP Exome Variant Server 0.00046; 1000 Genomes Project 30x 0.00047; 1000 Genomes Project 0.00060.
gnomAD v4.1: 119 of 1,614,196 alleles (0.0074%); highest among the groups gnomAD compares: Middle Eastern, 0.16%; no homozygotes.

Submissions (4):

PreventionGenetics, part of Exact Sciences
Classification: Uncertain significance for CYP4V2-related condition. Last evaluated: 2026-02-26. Review status: criteria provided, single submitter. Criteria: ACMG Guidelines, 2015. Collection method: clinical testing. Allele origin: germline.
Comment: The CYP4V2 c.1493A>C variant is predicted to result in the amino acid substitution p.Glu498Ala. To our knowledge, this variant has not been reported in the literature. This variant is reported in 0.14% of alleles in individuals of African descent in gnomAD. Although we suspect that this variant may be benign, at this time, the clinical significance of this variant is uncertain due to the absence of conclusive functional and genetic evidence.

Labcorp Genetics (formerly Invitae), Labcorp
Classification: Likely benign. Last evaluated: 2025-10-24. Review status: criteria provided, single submitter. Criteria: Invitae Variant Classification Sherloc (09022015). Collection method: clinical testing. Allele origin: germline.

Blueprint Genetics
Classification: Likely benign. Last evaluated: 2024-11-20. Review status: criteria provided, single submitter. Criteria: ACMG Guidelines, 2015. Collection method: clinical testing. Allele origin: germline.

Breakthrough Genomics
Classification: Uncertain significance. Review status: criteria provided, single submitter. Criteria: ACMG Guidelines, 2015. Collection method: not provided. Allele origin: germline. Inheritance: Autosomal recessive inheritance. Affected: yes.